The following is an entry in ClinVar:

ClinVar aggregate classification (germline): Uncertain significance. Review status: criteria provided, multiple submitters, no conflicts (2 of 4 stars). 3 submissions from 3 submitters: Uncertain significance (3). Last evaluated 2026-04-22.

Conditions:
Familial episodic pain syndrome with predominantly lower limb involvement. Also called: Episodic pain syndrome, familial, 3. Identifiers: Orphanet 391384, Orphanet 391392, MedGen C3809899, MONDO:0014247, OMIM 615552.
Hereditary sensory and autonomic neuropathy type 7. Also called: HSAN VII; Neuropathy, hereditary sensory and autonomic, type VII. Identifiers: Orphanet 391397, MedGen C3809882, MONDO:0014244, OMIM 615548.
Inborn genetic diseases. Identifiers: MedGen C0950123, MeSH D030342.

Allele frequency attached by ClinVar (database versions not stated): ExAC 0.00002; gnomAD 0.00001; gnomAD exomes 0.00003 and 0.00002; TOPMed 0.00001; ESP Exome Variant Server 0.00008.
gnomAD v4.1: 44 of 1,612,964 alleles (0.0027%); highest among the groups gnomAD compares: Non-Finnish European, 0.0036%; no homozygotes.

Submissions (3):

GeneDx
Classification: Uncertain significance. Last evaluated: 2026-04-22. Review status: criteria provided, single submitter. Criteria: GeneDx Variant Classification Process June 2021. Collection method: clinical testing. Allele origin: germline.
Comment: In silico analysis supports that this missense variant has a deleterious effect on protein structure/function; Has not been previously published as pathogenic or benign to our knowledge; This variant is associated with the following publications: (PMID: 29273096)

Ambry Genetics
Classification: Uncertain significance for Inborn genetic diseases. Last evaluated: 2025-08-04. Review status: criteria provided, single submitter. Criteria: Ambry Variant Classification Scheme 2023. Collection method: clinical testing. Allele origin: germline.

Labcorp Genetics (formerly Invitae), Labcorp
Classification: Uncertain significance for Familial episodic pain syndrome with predominantly lower limb involvement; Hereditary sensory and autonomic neuropathy type 7. Last evaluated: 2024-05-02. Review status: criteria provided, single submitter. Criteria: Invitae Variant Classification Sherloc (09022015). Collection method: clinical testing. Allele origin: germline.
Comment: This sequence change replaces glycine, which is neutral and non-polar, with tryptophan, which is neutral and slightly polar, at codon 475 of the SCN11A protein (p.Gly475Trp). This variant is present in population databases (rs373799320, gnomAD 0.004%). This variant has not been reported in the literature in individuals affected with SCN11A-related conditions. ClinVar contains an entry for this variant (Variation ID: 1465127). Advanced modeling of protein sequence and biophysical properties (such as structural, functional, and spatial information, amino acid conservation, physicochemical variation, residue mobility, and thermodynamic stability) performed at Invitae indicates that this missense variant is not expected to disrupt SCN11A protein function with a negative predictive value of 80%. In summary, the available evidence is currently insufficient to determine the role of this variant in disease. Therefore, it has been classified as a Variant of Uncertain Significance.

NM_001349253.2(SCN11A):c.1423G>T (p.Gly475Trp)

Gene: SCN11A (sodium voltage-gated channel alpha subunit 11; minus strand). Cytogenetic location: 3p22.2.
Variant type: single nucleotide variant.
Coding change: c.1423G>T on transcript NM_001349253.2 (MANE Select); coding-DNA position 1423, G replaced by T.
Protein change: p.Gly475Trp; replaces glycine 475 with tryptophan.
Molecular consequence: missense variant.
Genome position (GRCh38, 1-based): chr3:38,907,999, C>A on the plus strand (G>T on the coding strand, the complement: SCN11A is on the minus strand). VCF-style: chr3-38907999-C-A. GRCh37 (hg19) VCF-style: chr3-38949490-C-A.
Other names: c.1423G>T, p.Gly475Trp (NM_014139.3); short protein forms G475W.
Identifiers: ClinVar variation 1465127 (VCV001465127.10), dbSNP rs373799320, ClinGen allele CA2322324.